The following is an entry in ClinVar:

ClinVar aggregate classification (germline): Uncertain significance. Review status: criteria provided, multiple submitters, no conflicts (2 of 4 stars). 2 submissions from 2 submitters: Uncertain significance (2). Last evaluated 2024-04-29.

Allele frequency attached by ClinVar (database versions not stated): gnomAD exomes 0.00003; ExAC 0.00005; gnomAD 0.00005; TOPMed 0.00005.
gnomAD v4.1: 58 of 1,613,228 alleles (0.0036%); highest among the groups gnomAD compares: African/African-American, 0.019%; no homozygotes.

Submissions (2):

Labcorp Genetics (formerly Invitae), Labcorp
Classification: Uncertain significance. Last evaluated: 2024-04-29. Review status: criteria provided, single submitter. Criteria: Invitae Variant Classification Sherloc (09022015). Collection method: clinical testing. Allele origin: germline.
Comment: This sequence change replaces glycine, which is neutral and non-polar, with serine, which is neutral and polar, at codon 410 of the WHRN protein (p.Gly410Ser). This variant is present in population databases (rs745818473, gnomAD 0.01%). This variant has not been reported in the literature in individuals affected with WHRN-related conditions. ClinVar contains an entry for this variant (Variation ID: 937102). An algorithm developed to predict the effect of missense changes on protein structure and function (PolyPhen-2) suggests that this variant is likely to be disruptive. In summary, the available evidence is currently insufficient to determine the role of this variant in disease. Therefore, it has been classified as a Variant of Uncertain Significance.

Blueprint Genetics
Classification: Uncertain significance. Last evaluated: 2023-07-05. Review status: criteria provided, single submitter. Criteria: ACMG Guidelines, 2015. Collection method: clinical testing. Allele origin: germline.

NM_015404.4(WHRN):c.1228G>A (p.Gly410Ser)

Gene: WHRN (whirlin; minus strand). Cytogenetic location: 9q32.
Variant type: single nucleotide variant.
Coding change: c.1228G>A on transcript NM_015404.4 (MANE Select); coding-DNA position 1228, G replaced by A.
Protein change: p.Gly410Ser; replaces glycine 410 with serine.
Molecular consequence: missense variant.
Genome position (GRCh38, 1-based): chr9:114,424,522, C>T on the plus strand (G>A on the coding strand, the complement: WHRN is on the minus strand). VCF-style: chr9-114424522-C-T. GRCh37 (hg19) VCF-style: chr9-117186802-C-T.
Other names: c.79G>A, p.Gly27Ser (NM_001083885.3); c.1228G>A, p.Gly410Ser (NM_001173425.2); c.175G>A, p.Gly59Ser (NM_001346890.1); short protein forms G27S, G410S, G59S.
Identifiers: ClinVar variation 937102 (VCV000937102.7), dbSNP rs745818473, ClinGen allele CA5206007.